The following is an entry in ClinVar:

NM_000501.4(ELN):c.175G>A (p.Gly59Arg)

Gene: ELN (elastin; plus strand). Cytogenetic location: 7q11.23.
Variant type: single nucleotide variant.
Coding change: c.175G>A on transcript NM_000501.4 (MANE Select); coding-DNA position 175, G replaced by A.
Protein change: p.Gly59Arg; replaces glycine 59 with arginine.
Molecular consequence: missense variant.
Genome position (GRCh38, 1-based): chr7:74,037,718, G>A. VCF-style: chr7-74037718-G-A. GRCh37 (hg19) VCF-style: chr7-73452048-G-A.
Other names: c.145G>A, p.Gly49Arg (NM_001081752.3, NM_001278914.2, NM_001278917.2 and 1 more transcripts); c.175G>A, p.Gly59Arg (NM_001081753.3, NM_001081754.3, NM_001081755.3 and 5 more transcripts); short protein forms G49R, G59R.
Identifiers: ClinVar variation 4751237 (VCV004751237.1).

ClinVar aggregate classification (germline): Uncertain significance (1 of 4 stars; one submission).

Conditions:
Supravalvar aortic stenosis (SVAS). Also called: Supravalvar aortic stenosis, Eisenberg type. Identifiers: Orphanet 3193, MedGen C0003499, MONDO:0008504, OMIM 185500, HP:0004381.

gnomAD v4.1: 19 of 1,612,426 alleles (0.0012%); highest among the groups gnomAD compares: Non-Finnish European, 0.0014%; no homozygotes.

Submission:

Labcorp Genetics (formerly Invitae), Labcorp
Classification: Uncertain significance for Supravalvar aortic stenosis. Last evaluated: 2025-11-01. Review status: criteria provided, single submitter. Criteria: Invitae Variant Classification Sherloc (09022015). Collection method: clinical testing. Allele origin: germline.
Comment: This sequence change replaces glycine, which is neutral and non-polar, with arginine, which is basic and polar, at codon 59 of the ELN protein (p.Gly59Arg). This variant is present in population databases (no rsID available, gnomAD 0.0009%). This variant has not been reported in the literature in individuals affected with ELN-related conditions. Invitae Evidence Modeling of protein sequence and biophysical properties (such as structural, functional, and spatial information, amino acid conservation, physicochemical variation, residue mobility, and thermodynamic stability) indicates that this missense variant is not expected to disrupt ELN protein function with a negative predictive value of 80%. In summary, the available evidence is currently insufficient to determine the role of this variant in disease. Therefore, it has been classified as a Variant of Uncertain Significance.